The following is an entry in ClinVar:

NM_001199799.2(ILDR1):c.1429A>C (p.Ser477Arg)

Gene: ILDR1 (immunoglobulin like domain containing receptor 1; minus strand). Cytogenetic location: 3q13.33.
Variant type: single nucleotide variant.
Coding change: c.1429A>C on transcript NM_001199799.2 (MANE Select); coding-DNA position 1429, A replaced by C.
Protein change: p.Ser477Arg; replaces serine 477 with arginine.
Molecular consequence: missense variant.
Genome position (GRCh38, 1-based): chr3:121,993,320, T>G on the plus strand (A>C on the coding strand, the complement: ILDR1 is on the minus strand). VCF-style: chr3-121993320-T-G. GRCh37 (hg19) VCF-style: chr3-121712167-T-G.
Other names: c.1162A>C, p.Ser388Arg (NM_001199800.2); c.1297A>C, p.Ser433Arg (NM_175924.4); c.1429A>C (NM_001199799.1); short protein forms S388R, S477R, S433R.
Identifiers: ClinVar variation 1371549 (VCV001371549.10), dbSNP rs753090807, ClinGen allele CA354142546.

ClinVar aggregate classification (germline): Uncertain significance. Review status: criteria provided, multiple submitters, no conflicts (2 of 4 stars). 2 submissions from 2 submitters: Uncertain significance (2). Last evaluated 2025-11-24.

Conditions:
Inborn genetic diseases. Identifiers: MedGen C0950123, MeSH D030342.

gnomAD v4.1: 22 of 1,611,892 alleles (0.0014%); highest among the groups gnomAD compares: Middle Eastern, 0.049%; no homozygotes.

Submissions (2):

Ambry Genetics
Classification: Uncertain significance for Inborn genetic diseases. Last evaluated: 2025-11-24. Review status: criteria provided, single submitter. Criteria: Ambry Variant Classification Scheme 2023. Collection method: clinical testing. Allele origin: germline.

Labcorp Genetics (formerly Invitae), Labcorp
Classification: Uncertain significance. Last evaluated: 2023-12-11. Review status: criteria provided, single submitter. Criteria: Invitae Variant Classification Sherloc (09022015). Collection method: clinical testing. Allele origin: germline.
Comment: This sequence change replaces serine, which is neutral and polar, with arginine, which is basic and polar, at codon 477 of the ILDR1 protein (p.Ser477Arg). This variant is present in population databases (no rsID available, gnomAD 0.01%). This variant has not been reported in the literature in individuals affected with ILDR1-related conditions. ClinVar contains an entry for this variant (Variation ID: 1371549). An algorithm developed to predict the effect of missense changes on protein structure and function (PolyPhen-2) suggests that this variant is likely to be disruptive. In summary, the available evidence is currently insufficient to determine the role of this variant in disease. Therefore, it has been classified as a Variant of Uncertain Significance.